The following is an entry in ClinVar:

NM_002838.5(PTPRC):c.640A>G (p.Ile214Val)

Gene: PTPRC (protein tyrosine phosphatase receptor type C; plus strand). Cytogenetic location: 1q32.1.
Variant type: single nucleotide variant.
Coding change: c.640A>G on transcript NM_002838.5 (MANE Select); coding-DNA position 640, A replaced by G.
Protein change: p.Ile214Val; replaces isoleucine 214 with valine.
Molecular consequence: missense variant.
Genome position (GRCh38, 1-based): chr1:198,703,354, A>G. VCF-style: chr1-198703354-A-G. GRCh37 (hg19) VCF-style: chr1-198672483-A-G.
Other names: c.157A>G, p.Ile53Val (NM_080921.4); c.634A>G (NM_002838.3); short protein forms I214V, I53V.
Identifiers: ClinVar variation 1901118 (VCV001901118.4), dbSNP rs139323040, ClinGen allele CA1314553.

ClinVar aggregate classification (germline): Uncertain significance. Review status: criteria provided, multiple submitters, no conflicts (2 of 4 stars). 2 submissions from 2 submitters: Uncertain significance (2). Last evaluated 2025-04-03.

Conditions:
Inborn genetic diseases. Identifiers: MedGen C0950123, MeSH D030342.
Immunodeficiency 104. Also called: Severe combined immunodeficiency, autosomal recessive, T cell-negative, B cell-positive, NK cell-positive; Severe Combined Immune Deficiency, Autosomal Recessive, TCell -Negative, B Cell-Positive, NK Cell-Positive, IL7R-Related; IMMUNODEFICIENCY 104, SEVERE COMBINED; SCID, AUTOSOMAL RECESSIVE, T CELL-NEGATIVE, B CELL-POSITIVE, NK CELL-POSITIVE. Identifiers: MedGen C5676890, MONDO:0012163, OMIM 608971.

Allele frequency attached by ClinVar (database versions not stated): gnomAD exomes below 0.00001; ExAC 0.00002; gnomAD 0.00003; TOPMed 0.00003; ESP Exome Variant Server 0.00015.
gnomAD v4.1: 9 of 1,613,014 alleles (0.00056%); highest among the groups gnomAD compares: African/African-American, 0.012%; no homozygotes.

Submissions (2):

Ambry Genetics
Classification: Uncertain significance for Inborn genetic diseases. Last evaluated: 2025-04-03. Review status: criteria provided, single submitter. Criteria: Ambry Variant Classification Scheme 2023. Collection method: clinical testing. Allele origin: germline.

Labcorp Genetics (formerly Invitae), Labcorp
Classification: Uncertain significance for Immunodeficiency 104. Last evaluated: 2022-03-01. Review status: criteria provided, single submitter. Criteria: Invitae Variant Classification Sherloc (09022015). Collection method: clinical testing. Allele origin: germline.
Comment: In summary, the available evidence is currently insufficient to determine the role of this variant in disease. Therefore, it has been classified as a Variant of Uncertain Significance. Algorithms developed to predict the effect of missense changes on protein structure and function (SIFT, PolyPhen-2, Align-GVGD) all suggest that this variant is likely to be tolerated. This variant has not been reported in the literature in individuals affected with PTPRC-related conditions. This variant is present in population databases (rs139323040, gnomAD 0.01%). This sequence change replaces isoleucine, which is neutral and non-polar, with valine, which is neutral and non-polar, at codon 214 of the PTPRC protein (p.Ile214Val).